The following is an entry in ClinVar:

ClinVar aggregate classification (germline): Uncertain significance. Review status: criteria provided, multiple submitters, no conflicts (2 of 4 stars). 2 submissions from 2 submitters: Uncertain significance (2). Last evaluated 2025-03-02.

Conditions:
Ataxia-telangiectasia syndrome (AT). Also called: Ataxia-telangiectasia, complementation group D; AT, COMPLEMENTATION GROUP C; ATAXIA-TELANGIECTASIA, COMPLEMENTATION GROUP A; ATAXIA-TELANGIECTASIA, FRESNO VARIANT; Ataxia-telangiectasia; Ataxia-telangiectasia, complementation group E. Identifiers: Orphanet 100, MedGen C0004135, MONDO:0008840, OMIM 208900.
Hereditary cancer-predisposing syndrome. Also called: Neoplastic Syndromes, Hereditary; Tumor predisposition; Hereditary Cancer Syndrome; Hereditary neoplastic syndrome. Identifiers: Orphanet 140162, MedGen C0027672, MeSH D009386, MONDO:0015356.

Submissions (2):

Ambry Genetics
Classification: Uncertain significance for Hereditary cancer-predisposing syndrome. Last evaluated: 2025-03-02. Review status: criteria provided, single submitter. Criteria: Ambry Variant Classification Scheme 2023. Collection method: clinical testing. Allele origin: germline.
Comment: The p.F2393I variant (also known as c.7177T>A), located in coding exon 48 of the ATM gene, results from a T to A substitution at nucleotide position 7177. The phenylalanine at codon 2393 is replaced by isoleucine, an amino acid with highly similar properties. This amino acid position is highly conserved in available vertebrate species. In addition, this alteration is predicted to be deleterious by in silico analysis. Based on the available evidence, the clinical significance of this variant remains unclear.

3billion
Classification: Uncertain significance for Ataxia-telangiectasia syndrome. Last evaluated: 2024-10-16. Review status: criteria provided, single submitter. Criteria: ACMG Guidelines, 2015. Collection method: clinical testing. Allele origin: germline. Affected: yes.
Comment: The variant is not observed in the gnomAD v4.1.0 dataset. Predicted Consequence/Location: Missense variant In silico tool predictions suggest damaging effect of the variant on gene or gene product [REVEL: 0.90 (>=0.6, sensitivity 0.68 and specificity 0.92)]. Different missensechanges at the same codon have been reported as of uncertain significance (ClinVar ID: VCV001721470, VCV001716486, VCV000524393, VCV001022019, VCV000407611). Therefore, this variant is classified as VUS according to the recommendation of ACMG/AMP guideline.

NM_000051.4(ATM):c.7177T>A (p.Phe2393Ile)

Genes: ATM (ATM serine/threonine kinase; plus strand), C11orf65 (chromosome 11 open reading frame 65; minus strand). Cytogenetic location: 11q22.3.
Variant type: single nucleotide variant.
Coding change: c.7177T>A on transcript NM_000051.4 (MANE Select); coding-DNA position 7177, T replaced by A.
Protein change: p.Phe2393Ile; replaces phenylalanine 2393 with isoleucine.
Molecular consequence: missense variant. On other transcripts: intron variant (2).
Genome position (GRCh38, 1-based): chr11:108,329,108, T>A. VCF-style: chr11-108329108-T-A. GRCh37 (hg19) VCF-style: chr11-108199835-T-A.
Other names: c.7177T>A, p.Phe2393Ile (NM_001351834.2); c.641-20037A>T (NM_001330368.2); c.*38+6112A>T (NM_001351110.2); short protein forms F2393I.
Identifiers: ClinVar variation 3802877 (VCV003802877.2).